The following is an entry in ClinVar:

ClinVar aggregate classification (germline): Conflicting classifications of pathogenicity. Review status: criteria provided, conflicting classifications (1 of 4 stars). 6 submissions from 6 submitters: Uncertain significance (4); Likely benign (2). Last evaluated 2026-06-03.

Conditions:
IFT172-related disorder. Also called: IFT172-related disorders; IFT172-related condition.
Retinitis pigmentosa 71 (RP71). Identifiers: Orphanet 791, MedGen C4225342, MONDO:0014618, OMIM 616394.
Short-rib thoracic dysplasia 10 with or without polydactyly (SRTD10). Identifiers: Orphanet 474, MedGen C3810175, MONDO:0014284, OMIM 615630.
Optic atrophy. Identifiers: MedGen C0029124, MONDO:0003608, HP:0000648.

Allele frequency attached by ClinVar (database versions not stated): TOPMed 0.00044; gnomAD 0.00046; gnomAD exomes 0.00054 and 0.00067; ExAC 0.00077; ESP Exome Variant Server 0.00092.

Submissions (6):

PreventionGenetics, part of Exact Sciences
Classification: Uncertain significance for IFT172-related condition. Last evaluated: 2026-06-03. Review status: criteria provided, single submitter. Criteria: ACMG Guidelines, 2015. Collection method: clinical testing. Allele origin: germline.
Comment: The IFT172 c.2015G>A variant is predicted to result in the amino acid substitution p.Arg672Gln. This variant was reported as a potential modifier allele in a study of patients with Bardet-Biedl syndrome (Table S4 in Perea-Romero et al. 2022. PubMed ID: 35835773). An alternate missense change at the same amino acid position (c.2014C>T, p.Arg672Trp) has been reported as uncertain in an individual with pediatric obesity (Roberts et al. 2022. PubMed ID: 35562395). This variant is reported in 0.10% of alleles in individuals of European (Non-Finnish) descent in gnomAD, which is more common than expected for a pathogenic variant in this gene. Although we suspect that this variant may be benign, at this time, the clinical significance of this variant is uncertain due to the absence of conclusive functional and genetic evidence.

Labcorp Genetics (formerly Invitae), Labcorp
Classification: Likely benign for Retinitis pigmentosa 71; Short-rib thoracic dysplasia 10 with or without polydactyly. Last evaluated: 2025-11-25. Review status: criteria provided, single submitter. Criteria: Invitae Variant Classification Sherloc (09022015). Collection method: clinical testing. Allele origin: germline.

Blueprint Genetics
Classification: Likely benign. Last evaluated: 2024-11-15. Review status: criteria provided, single submitter. Criteria: ACMG Guidelines, 2015. Collection method: clinical testing. Allele origin: germline.

GeneDx
Classification: Uncertain significance. Last evaluated: 2024-03-15. Review status: criteria provided, single submitter. Criteria: GeneDx Variant Classification Process June 2021. Collection method: clinical testing. Allele origin: germline. Affected: yes.
Comment: In silico analysis supports that this missense variant does not alter protein structure/function; This variant is associated with the following publications: (PMID: 35835773)

Institute of Human Genetics, Univ. Regensburg, Univ. Regensburg
Classification: Uncertain significance for Optic atrophy. Last evaluated: 2022-01-01. Review status: criteria provided, single submitter. Criteria: ACMG Guidelines, 2015. Collection method: clinical testing. Allele origin: germline. Affected: yes.

Breakthrough Genomics
Classification: Uncertain significance. Review status: criteria provided, single submitter. Criteria: ACMG Guidelines, 2015. Collection method: not provided. Allele origin: germline. Inheritance: Autosomal recessive inheritance. Affected: yes.

Literature cited by the submitters: PubMed 35835773 (cited by Institute of Human Genetics, Univ. Regensburg, Univ. Regensburg).

NM_015662.3(IFT172):c.2015G>A (p.Arg672Gln)

Gene: IFT172 (intraflagellar transport 172; minus strand). Cytogenetic location: 2p23.3.
Variant type: single nucleotide variant.
Coding change: c.2015G>A on transcript NM_015662.3 (MANE Select); coding-DNA position 2015, G replaced by A.
Protein change: p.Arg672Gln; replaces arginine 672 with glutamine.
Molecular consequence: missense variant.
Genome position (GRCh38, 1-based): chr2:27,463,104, C>T on the plus strand (G>A on the coding strand, the complement: IFT172 is on the minus strand). VCF-style: chr2-27463104-C-T. GRCh37 (hg19) VCF-style: chr2-27685971-C-T.
Other names: short protein forms R672Q.
Identifiers: ClinVar variation 656002 (VCV000656002.13), dbSNP rs138511988, ClinGen allele CA1580459.